The following is an entry in ClinVar:

NM_015057.5(MYCBP2):c.8018-5T>C

Gene: MYCBP2 (MYC binding protein 2; minus strand). Cytogenetic location: 13q22.3.
Variant type: single nucleotide variant.
Coding change: c.8018-5T>C on transcript NM_015057.5 (MANE Select); 5 bases into the intron before coding-DNA position 8018, T replaced by C.
Molecular consequence: intron variant.
Genome position (GRCh38, 1-based): chr13:77,121,500, A>G on the plus strand (T>C on the coding strand, the complement: MYCBP2 is on the minus strand). VCF-style: chr13-77121500-A-G. GRCh37 (hg19) VCF-style: chr13-77695635-A-G.
Identifiers: ClinVar variation 2643857 (VCV002643857.24), dbSNP rs376208791, ClinGen allele CA7008824.

ClinVar aggregate classification (germline): Likely benign (1 of 4 stars; one submission).

Allele frequency attached by ClinVar (database versions not stated): ExAC 0.00002; gnomAD 0.00003; TOPMed 0.00004; ESP Exome Variant Server 0.00008.
gnomAD v4.1: 128 of 1,564,150 alleles (0.0082%); highest among the groups gnomAD compares: Non-Finnish European, 0.01%; no homozygotes.

Submission:

CeGaT Center for Human Genetics Tuebingen
Classification: Likely benign. Last evaluated: 2023-01-01. Review status: criteria provided, single submitter. Criteria: CeGaT Center For Human Genetics Tuebingen Variant Classification Criteria Version 2. Collection method: clinical testing. Allele origin: germline. Affected: yes. Observed: 1 variant allele.
Comment: MYCBP2: BP4